The following is an entry in ClinVar:

NM_001365308.1(BMPER):c.1673G>A (p.Arg558Gln)

Gene: BMPER (BMP binding endothelial regulator; plus strand). Cytogenetic location: 7p14.3.
Variant type: single nucleotide variant.
Coding change: c.1673G>A on transcript NM_001365308.1 (MANE Select); coding-DNA position 1673, G replaced by A.
Protein change: p.Arg558Gln; replaces arginine 558 with glutamine.
Molecular consequence: missense variant.
Genome position (GRCh38, 1-based): chr7:34,086,020, G>A. VCF-style: chr7-34086020-G-A. GRCh37 (hg19) VCF-style: chr7-34125632-G-A.
Other names: c.1673G>A, p.Arg558Gln (NM_133468.5); c.1673G>A (NM_133468.3); short protein forms R558Q.
Identifiers: ClinVar variation 1443343 (VCV001443343.6), dbSNP rs141418851, ClinGen allele CA4215453.

ClinVar aggregate classification (germline): Uncertain significance. Review status: criteria provided, multiple submitters, no conflicts (2 of 4 stars). 2 submissions from 2 submitters: Uncertain significance (2). Last evaluated 2025-06-03.

Conditions:
Inborn genetic diseases. Identifiers: MedGen C0950123, MeSH D030342.

Allele frequency attached by ClinVar (database versions not stated): gnomAD exomes 0.00008 and 0.00017; TOPMed 0.00008; ExAC 0.00009; ESP Exome Variant Server 0.00015; gnomAD 0.00009.
gnomAD v4.1: 253 of 1,613,924 alleles (0.016%); highest among the groups gnomAD compares: Non-Finnish European, 0.02%; no homozygotes.

Submissions (2):

Ambry Genetics
Classification: Uncertain significance for Inborn genetic diseases. Last evaluated: 2025-06-03. Review status: criteria provided, single submitter. Criteria: Ambry Variant Classification Scheme 2023. Collection method: clinical testing. Allele origin: germline.

Labcorp Genetics (formerly Invitae), Labcorp
Classification: Uncertain significance. Last evaluated: 2023-06-19. Review status: criteria provided, single submitter. Criteria: Invitae Variant Classification Sherloc (09022015). Collection method: clinical testing. Allele origin: germline.
Comment: Advanced modeling of protein sequence and biophysical properties (such as structural, functional, and spatial information, amino acid conservation, physicochemical variation, residue mobility, and thermodynamic stability) performed at Invitae indicates that this missense variant is not expected to disrupt BMPER protein function. ClinVar contains an entry for this variant (Variation ID: 1443343). This variant has not been reported in the literature in individuals affected with BMPER-related conditions. This variant is present in population databases (rs141418851, gnomAD 0.01%). This sequence change replaces arginine, which is basic and polar, with glutamine, which is neutral and polar, at codon 558 of the BMPER protein (p.Arg558Gln). In summary, the available evidence is currently insufficient to determine the role of this variant in disease. Therefore, it has been classified as a Variant of Uncertain Significance.